The following is an entry in ClinVar:

ClinVar aggregate classification (germline): Likely benign. Review status: criteria provided, multiple submitters, no conflicts (2 of 4 stars). 2 submissions from 2 submitters: Likely benign (2). Last evaluated 2025-11-16.

Allele frequency attached by ClinVar (database versions not stated): gnomAD exomes 0.00008 and 0.00022; ESP Exome Variant Server 0.00009; TOPMed 0.00012; gnomAD 0.00013; ExAC 0.00018.
gnomAD v4.1: 121 of 1,210,162 alleles (0.01%); highest among the groups gnomAD compares: Middle Eastern, 0.069%; no homozygotes.

Submissions (2):

Labcorp Genetics (formerly Invitae), Labcorp
Classification: Likely benign. Last evaluated: 2025-11-16. Review status: criteria provided, single submitter. Criteria: Invitae Variant Classification Sherloc (09022015). Collection method: clinical testing. Allele origin: germline.

GeneDx
Classification: Likely benign. Last evaluated: 2016-10-10. Review status: criteria provided, single submitter. Criteria: GeneDx Variant Classification (06012015). Collection method: clinical testing. Allele origin: germline. Affected: yes.
Comment: This variant is considered likely benign or benign based on one or more of the following criteria: it is a conservative change, it occurs at a poorly conserved position in the protein, it is predicted to be benign by multiple in silico algorithms, and/or has population frequency not consistent with disease.

NM_006280.3(SSR4):c.210C>T (p.Val70=)

Gene: SSR4 (signal sequence receptor subunit 4; plus strand). Cytogenetic location: Xq28.
Variant type: single nucleotide variant.
Coding change: c.210C>T on transcript NM_006280.3 (MANE Select); coding-DNA position 210, C replaced by T.
Protein change: p.Val70=; no amino-acid change (valine 70 retained).
Molecular consequence: synonymous variant.
Genome position (GRCh38, 1-based): chrX:153,797,481, C>T. VCF-style: chrX-153797481-C-T. GRCh37 (hg19) VCF-style: chrX-153062936-C-T.
Other names: c.243C>T, p.Val81= (NM_001204526.2); c.234C>T, p.Val78= (NM_001204527.2).
Identifiers: ClinVar variation 389640 (VCV000389640.9), dbSNP rs201630102, ClinGen allele CA10553282.